The following is an entry in ClinVar:

NM_000059.4(BRCA2):c.61A>G (p.Lys21Glu)

Gene: BRCA2 (BRCA2 DNA repair associated; plus strand). Cytogenetic location: 13q13.1.
Variant type: single nucleotide variant.
Coding change: c.61A>G on transcript NM_000059.4 (MANE Select); coding-DNA position 61, A replaced by G.
Protein change: p.Lys21Glu; replaces lysine 21 with glutamic acid.
Molecular consequence: missense variant. On other transcripts: non-coding transcript variant (1), intron variant (1).
Genome position (GRCh38, 1-based): chr13:32,316,521, A>G. VCF-style: chr13-32316521-A-G. GRCh37 (hg19) VCF-style: chr13-32890658-A-G.
Other names: c.61A>G, p.Lys21Glu (NM_001406719.1, NM_001406720.1, NM_001406721.1 and 1 more transcripts); c.-303+854A>G (NM_001406722.1); short protein forms K21E.
Identifiers: ClinVar variation 4802258 (VCV004802258.1).

ClinVar aggregate classification (germline): Uncertain significance (1 of 4 stars; one submission).

Conditions:
Hereditary breast ovarian cancer syndrome. Also called: Hereditary breast and ovarian cancer syndrome (HBOC); Hereditary breast and ovarian cancer; Breast and ovarian cancer; Hereditary breast and/or ovarian cancer syndrome; BRCA1- and BRCA2-Associated Hereditary Breast and Ovarian Cancer; Hereditary breast and ovarian cancer syndrome. Identifiers: Orphanet 145, MedGen C0677776, MeSH D061325, MONDO:0003582. Disease mechanism: loss of function.

gnomAD v4.1: 4 of 1,613,786 alleles (0.00025%); highest among the groups gnomAD compares: East Asian, 0.0067%; no homozygotes.

Submission:

Labcorp Genetics (formerly Invitae), Labcorp
Classification: Uncertain significance for Hereditary breast ovarian cancer syndrome. Last evaluated: 2025-08-08. Review status: criteria provided, single submitter. Criteria: Invitae Variant Classification Sherloc (09022015). Collection method: clinical testing. Allele origin: germline.
Comment: This sequence change replaces lysine, which is basic and polar, with glutamic acid, which is acidic and polar, at codon 21 of the BRCA2 protein (p.Lys21Glu). This variant is not present in population databases (gnomAD no frequency). This variant has not been reported in the literature in individuals affected with BRCA2-related conditions. Invitae Evidence Modeling of protein sequence and biophysical properties (such as structural, functional, and spatial information, amino acid conservation, physicochemical variation, residue mobility, and thermodynamic stability) indicates that this missense variant is not expected to disrupt BRCA2 protein function with a negative predictive value of 95%. In summary, the available evidence is currently insufficient to determine the role of this variant in disease. Therefore, it has been classified as a Variant of Uncertain Significance.